The following is an entry in ClinVar:

ClinVar aggregate classification (germline): Uncertain significance (1 of 4 stars; one submission).

Submission:

Ambry Genetics
Classification: Uncertain significance. Last evaluated: 2022-12-24. Review status: criteria provided, single submitter. Criteria: Ambry Variant Classification Scheme 2023. Collection method: clinical testing. Allele origin: germline.
Comment: The p.M2314I variant (also known as c.6942G>A), located in coding exon 24 of the POLQ gene, results from a G to A substitution at nucleotide position 6942. The methionine at codon 2314 is replaced by isoleucine, an amino acid with highly similar properties. This amino acid position is conserved. In addition, the in silico prediction for this alteration is inconclusive. Since supporting evidence is limited at this time, the clinical significance of this alteration remains unclear.

NM_199420.4(POLQ):c.6942G>A (p.Met2314Ile)

Gene: POLQ (DNA polymerase theta; minus strand). Cytogenetic location: 3q13.33.
Variant type: single nucleotide variant.
Coding change: c.6942G>A on transcript NM_199420.4 (MANE Select); coding-DNA position 6942, G replaced by A.
Protein change: p.Met2314Ile; replaces methionine 2314 with isoleucine.
Molecular consequence: missense variant.
Genome position (GRCh38, 1-based): chr3:121,467,544, C>T on the plus strand (G>A on the coding strand, the complement: POLQ is on the minus strand). VCF-style: chr3-121467544-C-T. GRCh37 (hg19) VCF-style: chr3-121186391-C-T.
Other names: short protein forms M2314I.
Identifiers: ClinVar variation 2448957 (VCV002448957.2), dbSNP rs2546770066, ClinGen allele CA354109818.